The following is an entry in ClinVar:

NM_007294.4(BRCA1):c.5277+365del

Gene: BRCA1 (BRCA1 DNA repair associated; minus strand). Cytogenetic location: 17q21.31.
Variant type: Deletion.
Coding change: c.5277+365del on transcript NM_007294.4 (MANE Select); 365 bases into the intron after coding-DNA position 5277, one base deleted (C; older notation c.5277+365delC).
Molecular consequence: intron variant.
Genome position (GRCh38, 1-based): chr17:43,056,687, G deleted on the plus strand (C on the coding strand, the reverse complement: BRCA1 is on the minus strand). VCF-style (leftmost placement, unchanged base first): chr17-43056686-AG-A. GRCh37 (hg19) VCF-style: chr17-41208703-AG-A.
Other names: IVS 20+365del; c.5151+365del (NM_001407679.1, NM_001407670.1, NM_001407675.1 and 10 more transcripts); c.5154+365del (NM_001407938.1, NM_001407667.1, NM_001407668.1 and 6 more transcripts); c.1848+365del (NM_001408423.1, NM_001408421.1, NM_001408424.1 and 1 more transcripts); c.1851+365del (NM_001408420.1, NM_001408419.1, NM_001408418.1); c.1962+365del (NM_001408404.1, NM_001408402.1, NM_001408473.1 and 8 more transcripts); c.1965+365del (NM_001408472.1, NM_001407990.1, NM_007299.4 and 12 more transcripts); c.1968+365del (NM_001407974.1, NM_001407973.1, NM_001407975.1 and 3 more transcripts); and 73 more.
Identifiers: ClinVar variation 209288 (VCV000209288.2), dbSNP rs201212001, ClinGen allele CA276260.

ClinVar aggregate classification (germline): Benign (3 of 4 stars; one submission).

Conditions:
Breast-ovarian cancer, familial, susceptibility to, 1 (BROVCA1). Also called: BRCA1 Hereditary Breast and Ovarian Cancer; OVARIAN CANCER, SUSCEPTIBILITY TO. Identifiers: Orphanet 145, MedGen C2676676, MONDO:0011450, OMIM 604370. Disease mechanism: loss of function.

Submission:

Evidence-based Network for the Interpretation of Germline Mutant Alleles (ENIGMA)
Classification: Benign for Breast-ovarian cancer, familial 1. Last evaluated: 2015-01-12. Review status: reviewed by expert panel. Criteria: ENIGMA BRCA1/2 Classification Criteria (2015). Collection method: curation. Allele origin: germline.
Comment: Class 1 not pathogenic based on frequency >1% in an outbred sampleset. Frequency 0.04 (African), 0.03 (European), derived from 1000 genomes (2012-04-30).